The following is an entry in ClinVar:

NM_001379500.1(COL18A1):c.*1171A>T

Genes: COL18A1 (collagen type XVIII alpha 1 chain; plus strand), SLC19A1 (solute carrier family 19 member 1; minus strand). Cytogenetic location: 21q22.3.
Variant type: single nucleotide variant.
Coding change: c.*1171A>T on transcript NM_001379500.1 (MANE Select); 1171 bases downstream of the stop codon, A replaced by T.
Molecular consequence: 3 prime UTR variant.
Genome position (GRCh38, 1-based): chr21:45,513,569, A>T. VCF-style: chr21-45513569-A-T. GRCh37 (hg19) VCF-style: chr21-46933483-A-T.
Other names: c.*1407T>A (NM_001205206.4, NM_001352511.3); c.*2089T>A (NM_001205207.3, NM_001352510.2, NM_001352512.2 and 1 more transcripts); c.*1171A>T (NM_030582.4, NM_130444.3).
Identifiers: ClinVar variation 3068963 (VCV003068963.2), dbSNP rs2517915454, ClinGen allele CA2825002854.

ClinVar aggregate classification (germline): Uncertain significance (1 of 4 stars; one submission).

Submission:

Women's Health and Genetics/Laboratory Corporation of America, LabCorp
Classification: Uncertain significance. Last evaluated: 2024-02-19. Review status: criteria provided, single submitter. Criteria: LabCorp Variant Classification Summary - May 2015. Collection method: clinical testing. Allele origin: germline.
Comment: Variant summary: COL18A1 NM_130444.3 c.*1171A>T is located in the untranslated mRNA region downstream of the termination codon. The variant was absent in 31392 control chromosomes. The available data on variant occurrences in the general population are insufficient to allow any conclusion about variant significance. To our knowledge, no occurrence of c.*1171A>T in individuals affected with Knobloch Syndrome 1 and no experimental evidence demonstrating its impact on protein function have been reported. No submitters have cited clinical-significance assessments for this variant to ClinVar. Based on the evidence outlined above, the variant was classified as uncertain significance.